The following is an entry in ClinVar:

ClinVar aggregate classification (germline): Uncertain significance (0 of 4 stars; one submission).

Conditions:
ELN-related disorder.

Submission:

PreventionGenetics, part of Exact Sciences
Classification: Uncertain significance for ELN-related condition. Last evaluated: 2024-03-26. Review status: no assertion criteria provided. Collection method: clinical testing. Allele origin: germline.
Comment: The ELN c.37G>A variant is predicted to result in the amino acid substitution p.Val13Ile. To our knowledge, this variant has not been reported in the literature. This variant is reported in 0.0066% of alleles in individuals of South Asian descent in gnomAD. At this time, the clinical significance of this variant is uncertain due to the absence of conclusive functional and genetic evidence.

NM_000501.4(ELN):c.37G>A (p.Val13Ile)

Gene: ELN (elastin; plus strand). Cytogenetic location: 7q11.23.
Variant type: single nucleotide variant.
Coding change: c.37G>A on transcript NM_000501.4 (MANE Select); coding-DNA position 37, G replaced by A.
Protein change: p.Val13Ile; replaces valine 13 with isoleucine.
Molecular consequence: missense variant.
Genome position (GRCh38, 1-based): chr7:74,028,224, G>A. VCF-style: chr7-74028224-G-A. GRCh37 (hg19) VCF-style: chr7-73442554-G-A.
Other names: c.37G>A, p.Val13Ile (NM_001081752.3, NM_001081753.3, NM_001081754.3 and 9 more transcripts); short protein forms V13I.
Identifiers: ClinVar variation 3348312 (VCV003348312.1).